The following is an entry in ClinVar:

NM_002519.3(NPAT):c.2921C>T (p.Thr974Ile)

Gene: NPAT (nuclear protein, coactivator of histone transcription; minus strand). Cytogenetic location: 11q22.3.
Variant type: single nucleotide variant.
Coding change: c.2921C>T on transcript NM_002519.3 (MANE Select); coding-DNA position 2921, C replaced by T.
Protein change: p.Thr974Ile; replaces threonine 974 with isoleucine.
Molecular consequence: missense variant.
Genome position (GRCh38, 1-based): chr11:108,169,833, G>A on the plus strand (C>T on the coding strand, the complement: NPAT is on the minus strand). VCF-style: chr11-108169833-G-A. GRCh37 (hg19) VCF-style: chr11-108040560-G-A.
Other names: c.2921C>T, p.Thr974Ile (NM_001321307.1); short protein forms T974I.
Identifiers: ClinVar variation 3723749 (VCV003723749.2).

ClinVar aggregate classification (germline): Uncertain significance (1 of 4 stars; one submission).

Submission:

Labcorp Genetics (formerly Invitae), Labcorp
Classification: Uncertain significance. Last evaluated: 2024-10-24. Review status: criteria provided, single submitter. Criteria: Invitae Variant Classification Sherloc (09022015). Collection method: clinical testing. Allele origin: germline.
Comment: This sequence change replaces threonine, which is neutral and polar, with isoleucine, which is neutral and non-polar, at codon 974 of the NPAT protein (p.Thr974Ile). This variant is not present in population databases (gnomAD no frequency). This variant has not been reported in the literature in individuals affected with NPAT-related conditions. An algorithm developed to predict the effect of missense changes on protein structure and function (PolyPhen-2) suggests that this variant is likely to be tolerated. In summary, the available evidence is currently insufficient to determine the role of this variant in disease. Therefore, it has been classified as a Variant of Uncertain Significance.